The following is an entry in ClinVar:

NM_022489.4(INF2):c.1262CACCCC[6] (p.Pro428_Leu429insProProProPro)

Gene: INF2 (inverted formin 2; plus strand). Cytogenetic location: 14q32.33.
Variant type: Microsatellite.
Coding change: c.1262CACCCC[6] on transcript NM_022489.4 (MANE Select); six copies in a row of the 6-base unit CACCCC starting at c.1262; the reference has four copies in a row; two copies, 12 bases duplicated.
Protein change: p.Pro428_Leu429insProProProPro.
Molecular consequence: inframe insertion. On other transcripts: frameshift variant (4).
Genome position (GRCh38, 1-based): chr14:104,707,541-104,707,552, CACCCCCACCCC duplicated; duplicating any 12 consecutive bases within chr14:104,707,526-104,707,552 gives the same sequence; the position shown is the placement nearest the transcript's 3' end. VCF-style (leftmost placement, unchanged base first): chr14-104707525-A-ACCCCACCCCCAC. GRCh37 (hg19) VCF-style: chr14-105173862-A-ACCCCACCCCCAC.
Other names: c.1262CACCCC[6], p.Pro428_Leu429insProProProPro (NM_001031714.4); c.1257_1262CACCCC[6], p.Pro422Thrfs (NM_001426862.1, NM_001426863.1, NM_001426864.1 and 1 more transcripts).
Identifiers: ClinVar variation 2929286 (VCV002929286.3), dbSNP rs573567814, ClinGen allele CA7372536.

ClinVar aggregate classification (germline): Uncertain significance (1 of 4 stars; one submission).

Conditions:
Focal segmental glomerulosclerosis 5 (FSGS5). Identifiers: Orphanet 656, MedGen C2750475, MONDO:0013191, OMIM 613237.
Charcot-Marie-Tooth disease dominant intermediate E. Also called: CHARCOT-MARIE-TOOTH NEUROPATHY WITH FOCAL SEGMENTAL GLOMERULONEPHRITIS. Identifiers: Orphanet 93114, MedGen C4302667, MONDO:0013758, OMIM 614455.

Submission:

Labcorp Genetics (formerly Invitae), Labcorp
Classification: Uncertain significance for Charcot-Marie-Tooth disease dominant intermediate E; Focal segmental glomerulosclerosis 5. Last evaluated: 2023-05-31. Review status: criteria provided, single submitter. Criteria: Invitae Variant Classification Sherloc (09022015). Collection method: clinical testing. Allele origin: germline.
Comment: In summary, the available evidence is currently insufficient to determine the role of this variant in disease. Therefore, it has been classified as a Variant of Uncertain Significance. This variant has not been reported in the literature in individuals affected with INF2-related conditions. This variant is not present in population databases (gnomAD no frequency). This variant, c.1274_1285dup, results in the insertion of 4 amino acid(s) of the INF2 protein (p.Pro425_Pro428dup), but otherwise preserves the integrity of the reading frame.